The following is an entry in ClinVar:

NM_000458.4(HNF1B):c.712T>A (p.Trp238Arg)

Genes: HNF1B (HNF1 homeobox B; minus strand), LOC126862549 (BRD4-independent group 4 enhancer GRCh37_chr17:36093401-36094600; plus strand). Cytogenetic location: 17q12.
Variant type: single nucleotide variant.
Coding change: c.712T>A on transcript NM_000458.4 (MANE Select); coding-DNA position 712, T replaced by A.
Protein change: p.Trp238Arg; replaces tryptophan 238 with arginine.
Molecular consequence: missense variant.
Genome position (GRCh38, 1-based): chr17:37,733,654, A>T on the plus strand (T>A on the coding strand, the complement: HNF1B is on the minus strand). VCF-style: chr17-37733654-A-T. GRCh37 (hg19) VCF-style: chr17-36093647-A-T.
Other names: c.634T>A, p.Trp212Arg (NM_001165923.4, NM_001304286.2); c.712T>A, p.Trp238Arg (NM_001411100.1); short protein forms W212R, W238R.
Identifiers: ClinVar variation 1757313 (VCV001757313.2), dbSNP rs2033751993, ClinGen allele CA398748552.

ClinVar aggregate classification (germline): Uncertain significance (1 of 4 stars; one submission).

Conditions:
Maturity-onset diabetes of the young (MODY). Also called: Maturity onset diabetes mellitus in young. Identifiers: Orphanet 552, MedGen C0342276, MONDO:0018911, HP:0004904.

Submission:

Ambry Genetics
Classification: Uncertain significance for Maturity-onset diabetes of the young. Last evaluated: 2017-04-15. Review status: criteria provided, single submitter. Criteria: Ambry Variant Classification Scheme 2023. Collection method: clinical testing. Allele origin: germline.
Comment: The p.W238R variant (also known as c.712T>A), located in coding exon 3 of the HNF1B gene, results from a T to A substitution at nucleotide position 712. The tryptophan at codon 238 is replaced by arginine, an amino acid with dissimilar properties. This amino acid position is highly conserved in available vertebrate species. In addition, this alteration is predicted to be deleterious by in silico analysis. Since supporting evidence is limited at this time, the clinical significance of this alteration remains unclear.